The following is an entry in ClinVar:

ClinVar aggregate classification (germline): Uncertain significance. Review status: criteria provided, multiple submitters, no conflicts (2 of 4 stars). 4 submissions from 4 submitters: Uncertain significance (3). 1 of the submissions does not count toward it. Last evaluated 2024-11-21.

Conditions:
Polycystic kidney disease 4 (PKD4). Also called: Autosomal Recessive Polycystic Kidney Disease – PKHD1; POLYCYSTIC KIDNEY AND HEPATIC DISEASE 1; POLYCYSTIC KIDNEY DISEASE, INFANTILE, TYPE I; PKD3; POLYCYSTIC KIDNEY DISEASE 4 WITH OR WITHOUT POLYCYSTIC LIVER DISEASE. Identifiers: MedGen C4540575, MONDO:0033004, OMIM 263200.
PKHD1-related disorder. Also called: PKHD1-related condition.
Autosomal recessive polycystic kidney disease (ARPKD). Also called: AR polycystic kidney disease. Identifiers: Orphanet 731, Orphanet 8378, MedGen C0085548, MeSH D017044, MONDO:0009889.

Submissions (4):

PreventionGenetics, part of Exact Sciences
Classification: Uncertain significance for PKHD1-related condition. Last evaluated: 2024-11-21. Review status: criteria provided, single submitter. Criteria: ACMG Guidelines, 2015. Collection method: clinical testing. Allele origin: germline.
Comment: The PKHD1 c.8351A>G variant is predicted to result in the amino acid substitution p.Tyr2784Cys. To our knowledge, this variant has not been reported in the literature or in a large population database (gnomAD), indicating this variant is rare. An alternative nucleotide change affecting the same amino acid (p.Tyr2784Phe), has been reported in two individuals from one family with autosomal-recessive polycystic kidney disease (Braun et al. 2015. PubMed ID: 26489029). At this time, the clinical significance of this variant p.Tyr2784Cys is uncertain due to the absence of conclusive functional and genetic evidence.

Labcorp Genetics (formerly Invitae), Labcorp
Classification: Uncertain significance for Autosomal recessive polycystic kidney disease. Last evaluated: 2022-07-06. Review status: criteria provided, single submitter. Criteria: Invitae Variant Classification Sherloc (09022015). Collection method: clinical testing. Allele origin: germline.
Comment: In summary, the available evidence is currently insufficient to determine the role of this variant in disease. Therefore, it has been classified as a Variant of Uncertain Significance. Advanced modeling of protein sequence and biophysical properties (such as structural, functional, and spatial information, amino acid conservation, physicochemical variation, residue mobility, and thermodynamic stability) performed at Invitae indicates that this missense variant is expected to disrupt PKHD1 protein function. ClinVar contains an entry for this variant (Variation ID: 988201). This variant has not been reported in the literature in individuals affected with PKHD1-related conditions. This variant is not present in population databases (gnomAD no frequency). This sequence change replaces tyrosine, which is neutral and polar, with cysteine, which is neutral and slightly polar, at codon 2784 of the PKHD1 protein (p.Tyr2784Cys).

Fulgent Genetics
Classification: Uncertain significance for Polycystic kidney disease 4. Last evaluated: 2021-08-12. Review status: criteria provided, single submitter. Criteria: ACMG Guidelines, 2015. Collection method: clinical testing. Allele origin: unknown.

Sydney Genome Diagnostics, Children's Hospital Westmead
Classification: Uncertain significance for Autosomal recessive polycystic kidney disease. Last evaluated: 2018-07-24. Review status: no assertion criteria provided. Collection method: clinical testing. Allele origin: unknown. Affected: yes. Observed: 1 variant allele, 1 compound heterozygote. Not counted in ClinVar's aggregate classification.
Comment: The variant has not been reported in any population databases (i.e. gnomAD, ExAC, ESP or dbSNP). To our knowledge, this variant has not been previously reported in the literature or any disease specific databases. In silico analysis of pathogenicity (through Alamut Visual v2.8.1) using PolyPhen2, SIFT and MutationTaster suggest that this variant is likely to be pathogenic. However, this analysis alone cannot be used to confirm pathogenicity. This variant is considered to be a variant of uncertain clinical significance (VOUS) according to the ACMG guidelines.

NM_138694.4(PKHD1):c.8351A>G (p.Tyr2784Cys)

Gene: PKHD1 (PKHD1 ciliary IPT domain containing fibrocystin/polyductin; minus strand). Cytogenetic location: 6p12.3.
Variant type: single nucleotide variant.
Coding change: c.8351A>G on transcript NM_138694.4 (MANE Select); coding-DNA position 8351, A replaced by G.
Protein change: p.Tyr2784Cys; replaces tyrosine 2784 with cysteine.
Molecular consequence: missense variant.
Genome position (GRCh38, 1-based): chr6:51,791,325, T>C on the plus strand (A>G on the coding strand, the complement: PKHD1 is on the minus strand). VCF-style: chr6-51791325-T-C. GRCh37 (hg19) VCF-style: chr6-51656123-T-C.
Other names: c.8351A>G, p.Tyr2784Cys (NM_170724.3); short protein forms Y2784C.
Identifiers: ClinVar variation 988201 (VCV000988201.8), dbSNP rs1793710520, ClinGen allele CA364416501.